The following is an entry in ClinVar:

ClinVar aggregate classification (germline): Uncertain significance (1 of 4 stars; one submission).

Allele frequency attached by ClinVar (database versions not stated): ExAC 0.00001; gnomAD 0.00001; TOPMed 0.00001; gnomAD exomes 0.00003.
gnomAD v4.1: 25 of 1,614,058 alleles (0.0015%); highest among the groups gnomAD compares: Middle Eastern, 0.05%; no homozygotes.

Submission:

Labcorp Genetics (formerly Invitae), Labcorp
Classification: Uncertain significance. Last evaluated: 2025-01-20. Review status: criteria provided, single submitter. Criteria: Invitae Variant Classification Sherloc (09022015). Collection method: clinical testing. Allele origin: germline.
Comment: This sequence change replaces proline, which is neutral and non-polar, with leucine, which is neutral and non-polar, at codon 4436 of the DNAH9 protein (p.Pro4436Leu). This variant is present in population databases (rs758785495, gnomAD 0.01%). This variant has not been reported in the literature in individuals affected with DNAH9-related conditions. ClinVar contains an entry for this variant (Variation ID: 1478775). Invitae Evidence Modeling of protein sequence and biophysical properties (such as structural, functional, and spatial information, amino acid conservation, physicochemical variation, residue mobility, and thermodynamic stability) indicates that this missense variant is not expected to disrupt DNAH9 protein function with a negative predictive value of 80%. In summary, the available evidence is currently insufficient to determine the role of this variant in disease. Therefore, it has been classified as a Variant of Uncertain Significance.

NM_001372.4(DNAH9):c.13307C>T (p.Pro4436Leu)

Gene: DNAH9 (dynein axonemal heavy chain 9; plus strand). Cytogenetic location: 17p12.
Variant type: single nucleotide variant.
Coding change: c.13307C>T on transcript NM_001372.4 (MANE Select); coding-DNA position 13307, C replaced by T.
Protein change: p.Pro4436Leu; replaces proline 4436 with leucine.
Molecular consequence: missense variant.
Genome position (GRCh38, 1-based): chr17:11,969,373, C>T. VCF-style: chr17-11969373-C-T. GRCh37 (hg19) VCF-style: chr17-11872690-C-T.
Other names: c.2243C>T, p.Pro748Leu (NM_004662.2); short protein forms P4436L, P748L.
Identifiers: ClinVar variation 1478775 (VCV001478775.6), dbSNP rs758785495, ClinGen allele CA8398402.
Genomic context (GRCh38, chr17:11,969,373, plus strand): 5'-CAGAGGCAAAGCTGAAGGATCTGACACCCCCTATGCCTGTGATGTTCATCAAGGCCATTC[C>T]TGCAGATAAGCAGGACTGCCGCAGTGTCTATTCCTGTCCTGTGTACAAGACTAGTCAGCG-3'
Protein context (NP_001363.2, residues 4426-4446): PMPVMFIKAI[Pro4436Leu]ADKQDCRSVY